The following is an entry in ClinVar:

NM_000704.3(ATP4A):c.2150A>T (p.Gln717Leu)

Gene: ATP4A (ATPase H+/K+ transporting subunit alpha; minus strand). Cytogenetic location: 19q13.12.
Variant type: single nucleotide variant.
Coding change: c.2150A>T on transcript NM_000704.3 (MANE Select); coding-DNA position 2150, A replaced by T.
Protein change: p.Gln717Leu; replaces glutamine 717 with leucine.
Molecular consequence: missense variant.
Genome position (GRCh38, 1-based): chr19:35,555,447, T>A on the plus strand (A>T on the coding strand, the complement: ATP4A is on the minus strand). VCF-style: chr19-35555447-T-A. GRCh37 (hg19) VCF-style: chr19-36046349-T-A.
Other names: short protein forms Q717L.
Identifiers: ClinVar variation 3640958 (VCV003640958.2).
Genomic context (GRCh38, chr19:35,555,447, plus strand): 5'-AAGACCAGCCCCGCCTGTCTGCCCGCCTGCCCACCCTCATCAGCAGGGCTCACCAGCCGC[T>A]GGCAGCTCTCCACGATCACCAGCTTCTGCTGGGGGCTGGTGCGCGCAAACACCATCTCGG-3'
Protein context (NP_000695.2, residues 707-727): QQKLVIVESC[Gln717Leu]RLGAIVAVTG

ClinVar aggregate classification (germline): Uncertain significance (1 of 4 stars; one submission).

Submission:

Labcorp Genetics (formerly Invitae), Labcorp
Classification: Uncertain significance. Last evaluated: 2024-04-15. Review status: criteria provided, single submitter. Criteria: Invitae Variant Classification Sherloc (09022015). Collection method: clinical testing. Allele origin: germline.
Comment: This sequence change replaces glutamine, which is neutral and polar, with leucine, which is neutral and non-polar, at codon 717 of the ATP4A protein (p.Gln717Leu). This variant is not present in population databases (gnomAD no frequency). This variant has not been reported in the literature in individuals affected with ATP4A-related conditions. Advanced modeling of protein sequence and biophysical properties (such as structural, functional, and spatial information, amino acid conservation, physicochemical variation, residue mobility, and thermodynamic stability) performed at Invitae indicates that this missense variant is expected to disrupt ATP4A protein function with a positive predictive value of 80%. In summary, the available evidence is currently insufficient to determine the role of this variant in disease. Therefore, it has been classified as a Variant of Uncertain Significance.